The following is an entry in ClinVar:

ClinVar aggregate classification (germline): Uncertain significance (1 of 4 stars; one submission).

Conditions:
Hereditary cancer-predisposing syndrome. Also called: Neoplastic Syndromes, Hereditary; Tumor predisposition; Hereditary neoplastic syndrome; Hereditary Cancer Syndrome. Identifiers: Orphanet 140162, MedGen C0027672, MeSH D009386, MONDO:0015356.

Allele frequency attached by ClinVar (database versions not stated): gnomAD 0.00001.
gnomAD v4.1: 1 of 1,614,072 alleles (0.000062%); highest among the groups gnomAD compares: African/African-American, 0.0013%; no homozygotes.

Submission:

Ambry Genetics
Classification: Uncertain significance for Hereditary cancer-predisposing syndrome. Last evaluated: 2019-04-17. Review status: criteria provided, single submitter. Criteria: Ambry Variant Classification Scheme 2023. Collection method: clinical testing. Allele origin: germline.
Comment: The p.D1318Y variant (also known as c.3952G>T), located in coding exon 15 of the APC gene, results from a G to T substitution at nucleotide position 3952. The aspartic acid at codon 1318 is replaced by tyrosine, an amino acid with highly dissimilar properties. This amino acid position is poorly conserved in available vertebrate species. In addition, in silico predictors for this gene do not accurately predict pathogenicity. Since supporting evidence is limited at this time, the clinical significance of this alteration remains unclear.

NM_000038.6(APC):c.3952G>T (p.Asp1318Tyr)

Gene: APC (APC regulator of Wnt signaling pathway; plus strand). Cytogenetic location: 5q22.2.
Variant type: single nucleotide variant.
Coding change: c.3952G>T on transcript NM_000038.6 (MANE Select); coding-DNA position 3952, G replaced by T.
Protein change: p.Asp1318Tyr; replaces aspartic acid 1318 with tyrosine.
Molecular consequence: missense variant.
Genome position (GRCh38, 1-based): chr5:112,839,546, G>T. VCF-style: chr5-112839546-G-T. GRCh37 (hg19) VCF-style: chr5-112175243-G-T.
Other names: c.3952G>T, p.Asp1318Tyr (NM_001127510.3, NM_001354895.2); c.3898G>T, p.Asp1300Tyr (NM_001127511.3); c.4006G>T, p.Asp1336Tyr (NM_001354896.2); c.3982G>T, p.Asp1328Tyr (NM_001354897.2); c.3877G>T, p.Asp1293Tyr (NM_001354898.2); c.3868G>T, p.Asp1290Tyr (NM_001354899.2); c.3829G>T, p.Asp1277Tyr (NM_001354900.2); c.3775G>T, p.Asp1259Tyr (NM_001354901.2); and 5 more; short protein forms D1035Y, D1158Y, D1227Y, D1277Y, D1290Y, D1300Y, D1318Y, D1328Y.
Identifiers: ClinVar variation 824423 (VCV000824423.4), dbSNP rs1580642135, ClinGen allele CA16030001.